The following is an entry in ClinVar:

ClinVar aggregate classification (germline): Benign/Likely benign. Review status: criteria provided, multiple submitters, no conflicts (2 of 4 stars). 3 submissions from 3 submitters: Benign (1); Likely benign (2). Last evaluated 2026-03-10.

Conditions:
NOTCH1-related disorder. Also called: NOTCH1-related condition; NOTCH1-related disorders.
Adams-Oliver syndrome 5 (AOS5). Identifiers: Orphanet 974, MedGen C4014970, MONDO:0014459, OMIM 616028.
Familial thoracic aortic aneurysm and aortic dissection (TAAD). Also called: Thoracic aortic aneurysms and dissections. Identifiers: Orphanet 91387, MedGen C4707243, MONDO:0019625.

Allele frequency attached by ClinVar (database versions not stated): ExAC 0.00001; gnomAD exomes 0.00001; gnomAD 0.00005; TOPMed 0.00006.
gnomAD v4.1: 13 of 1,585,514 alleles (0.00082%); highest among the groups gnomAD compares: Admixed American, 0.0087%; no homozygotes.

Submissions (3):

PreventionGenetics, part of Exact Sciences
Classification: Likely benign for NOTCH1-related condition. Last evaluated: 2026-03-10. Review status: criteria provided, single submitter. Criteria: ACMG Guidelines, 2015. Collection method: clinical testing. Allele origin: germline.
Comment: This variant is classified as likely benign based on ACMG/AMP sequence variant interpretation guidelines (Richards et al. 2015 PMID: 25741868, with internal and published modifications).

Labcorp Genetics (formerly Invitae), Labcorp
Classification: Benign for Adams-Oliver syndrome 5. Last evaluated: 2026-01-04. Review status: criteria provided, single submitter. Criteria: Invitae Variant Classification Sherloc (09022015). Collection method: clinical testing. Allele origin: germline.

Ambry Genetics
Classification: Likely benign for Familial thoracic aortic aneurysm and aortic dissection. Last evaluated: 2022-01-20. Review status: criteria provided, single submitter. Criteria: Ambry Variant Classification Scheme 2023. Collection method: clinical testing. Allele origin: germline.

NM_017617.5(NOTCH1):c.4137G>A (p.Thr1379=)

Gene: NOTCH1 (notch receptor 1; minus strand). Cytogenetic location: 9q34.3.
Variant type: single nucleotide variant.
Coding change: c.4137G>A on transcript NM_017617.5 (MANE Select); coding-DNA position 4137, G replaced by A.
Protein change: p.Thr1379=; no amino-acid change (threonine 1379 retained).
Molecular consequence: synonymous variant.
Genome position (GRCh38, 1-based): chr9:136,505,759, C>T on the plus strand (G>A on the coding strand, the complement: NOTCH1 is on the minus strand). VCF-style: chr9-136505759-C-T. GRCh37 (hg19) VCF-style: chr9-139400211-C-T.
Other names: c.4137G>A (NM_017617.4); c.4137G>A, p.Thr1379= (LRG_1122t1).
Identifiers: ClinVar variation 477927 (VCV000477927.13), dbSNP rs762733162, ClinGen allele CA5340679.